The following is an entry in ClinVar:

ClinVar aggregate classification (germline): Uncertain significance (1 of 4 stars; one submission).

Conditions:
Hypertrophic cardiomyopathy. Also called: HYPERTROPHIC MYOCARDIOPATHY. Identifiers: Orphanet 217569, MedGen C0007194, MeSH D002312, MONDO:0005045, HP:0001639.

Allele frequency attached by ClinVar (database versions not stated): TOPMed below 0.00001.

Submission:

All of Us Research Program, National Institutes of Health
Classification: Uncertain significance for Hypertrophic cardiomyopathy. Last evaluated: 2023-08-15. Review status: criteria provided, single submitter. Criteria: ACMG Guidelines, 2015. Collection method: clinical testing. Allele origin: germline. Inheritance: Autosomal dominant inheritance. Observed: 1 variant allele, 1 heterozygote.
Comment: This study involves interpretation of variants in research participants for the purpose of population health screening. Participant phenotype was not available at the time of variant classification. Additional details can be found in publication PMID: 35346344, PMCID: PMC8962531

NM_000256.3(MYBPC3):c.395C>A (p.Pro132Gln)

Gene: MYBPC3 (myosin binding protein C3; minus strand). Cytogenetic location: 11p11.2.
Variant type: single nucleotide variant.
Coding change: c.395C>A on transcript NM_000256.3 (MANE Select); coding-DNA position 395, C replaced by A.
Protein change: p.Pro132Gln; replaces proline 132 with glutamine.
Molecular consequence: missense variant.
Genome position (GRCh38, 1-based): chr11:47,350,513, G>T on the plus strand (C>A on the coding strand, the complement: MYBPC3 is on the minus strand). VCF-style: chr11-47350513-G-T. GRCh37 (hg19) VCF-style: chr11-47372064-G-T.
Other names: short protein forms P132Q.
Identifiers: ClinVar variation 3072341 (VCV003072341.1), dbSNP rs2095899602, ClinGen allele CA380340352.
Genomic context (GRCh38, chr11:47,350,513, plus strand): 5'-GACACGCCCTACCCACGGATCCTGCCCCTCCCTGCCCAGCCCCTCTCACCTTTGGGACTT[G>T]GGGCACTTTCTCCCAGCTCAGCGGCTGGGGCCGGGGCTTCTCCAGGGGCTCCAGTGGCCT-3'
Protein context (NP_000247.2, residues 122-142): APAAELGESA[Pro132Gln]SPKGSSSAAL